The following is an entry in ClinVar:

ClinVar aggregate classification (germline): Uncertain significance. Review status: criteria provided, multiple submitters, no conflicts (2 of 4 stars). 2 submissions from 2 submitters: Uncertain significance (2). Last evaluated 2026-04-10.

Conditions:
Amyotrophic lateral sclerosis (ALS). Also called: Lou Gehrig disease; Charcot disease. Identifiers: Orphanet 803, MedGen C0002736, MONDO:0004976, HP:0007354.
Primary open angle glaucoma (POAG). Also called: OPTN-related open angle glaucoma. Identifiers: MedGen C0339573, MONDO:0100553, OMIM 137760.
Glaucoma 1, open angle, E. Identifiers: MedGen C1842026, MONDO:0007665.
Amyotrophic lateral sclerosis type 12 (ALS12). Also called: AMYOTROPHIC LATERAL SCLEROSIS 12 WITH OR WITHOUT FRONTOTEMPORAL DEMENTIA. Identifiers: Orphanet 803, MedGen C3150692, MONDO:0013264, OMIM 613435.

gnomAD v4.1: 5 of 1,612,762 alleles (0.00031%); highest among the groups gnomAD compares: Non-Finnish European, 0.00042%; no homozygotes.

Submissions (2):

Department of Neurology, Brain Research Institute, Niigata University
Classification: Uncertain significance for Amyotrophic lateral sclerosis. Last evaluated: 2026-04-10. Review status: criteria provided, single submitter. Criteria: ACMG Guidelines, 2015. Collection method: research. Allele origin: unknown. Affected: yes.

Labcorp Genetics (formerly Invitae), Labcorp
Classification: Uncertain significance for Primary open angle glaucoma; Glaucoma 1, open angle, E; Amyotrophic lateral sclerosis type 12. Last evaluated: 2026-01-28. Review status: criteria provided, single submitter. Criteria: Invitae Variant Classification Sherloc (09022015). Collection method: clinical testing. Allele origin: germline.
Comment: This sequence change replaces glutamic acid, which is acidic and polar, with lysine, which is basic and polar, at codon 298 of the OPTN protein (p.Glu298Lys). This variant is not present in population databases (gnomAD no frequency). This variant has not been reported in the literature in individuals affected with OPTN-related conditions. ClinVar contains an entry for this variant (Variation ID: 1494356). Invitae Evidence Modeling of protein sequence and biophysical properties (such as structural, functional, and spatial information, amino acid conservation, physicochemical variation, residue mobility, and thermodynamic stability) indicates that this missense variant is expected to disrupt OPTN protein function with a positive predictive value of 80%. In summary, the available evidence is currently insufficient to determine the role of this variant in disease. Therefore, it has been classified as a Variant of Uncertain Significance.

NM_001008212.2(OPTN):c.892G>A (p.Glu298Lys)

Gene: OPTN (optineurin; plus strand). Cytogenetic location: 10p13.
Variant type: single nucleotide variant.
Coding change: c.892G>A on transcript NM_001008212.2 (MANE Select); coding-DNA position 892, G replaced by A.
Protein change: p.Glu298Lys; replaces glutamic acid 298 with lysine.
Molecular consequence: missense variant.
Genome position (GRCh38, 1-based): chr10:13,124,004, G>A. VCF-style: chr10-13124004-G-A. GRCh37 (hg19) VCF-style: chr10-13166004-G-A.
Other names: c.892G>A, p.Glu298Lys (NM_001008211.1, NM_001008213.1, NM_021980.4); short protein forms E298K.
Identifiers: ClinVar variation 1494356 (VCV001494356.7), dbSNP rs1833407271, ClinGen allele CA376028938.
Genomic context (GRCh38, chr10:13,124,004, plus strand): 5'-TAATGTCAGATGATAATTGTACAGATATGTTTGGGATTTCCCGTATGATAGGTTGGAAGC[G>A]AAGTGGAAGCACTGAACCTCCAGGTGACATCTCTGTTTAAGGAGCTTCAAGAGGCTCATA-3'
Protein context (NP_001008213.1, residues 288-308): EEKGPETVGS[Glu298Lys]VEALNLQVTS